The following is an entry in ClinVar:

NM_001374259.2(IL12RB2):c.112T>C (p.Ser38Pro)

Gene: IL12RB2 (interleukin 12 receptor subunit beta 2; plus strand). Cytogenetic location: 1p31.3.
Variant type: single nucleotide variant.
Coding change: c.112T>C on transcript NM_001374259.2 (MANE Select); coding-DNA position 112, T replaced by C.
Protein change: p.Ser38Pro; replaces serine 38 with proline.
Molecular consequence: missense variant. On other transcripts: non-coding transcript variant (2).
Genome position (GRCh38, 1-based): chr1:67,321,637, T>C. VCF-style: chr1-67321637-T-C. GRCh37 (hg19) VCF-style: chr1-67787320-T-C.
Other names: c.112T>C, p.Ser38Pro (NM_001258214.1, NM_001258215.1, NM_001258216.1 and 2 more transcripts); short protein forms S38P.
Identifiers: ClinVar variation 3662583 (VCV003662583.2).

ClinVar aggregate classification (germline): Uncertain significance (1 of 4 stars; one submission).

gnomAD v4.1: 2 of 1,605,560 alleles (0.00012%); highest among the groups gnomAD compares: South Asian, 0.0022%; no homozygotes.

Submission:

Labcorp Genetics (formerly Invitae), Labcorp
Classification: Uncertain significance. Last evaluated: 2024-08-15. Review status: criteria provided, single submitter. Criteria: Invitae Variant Classification Sherloc (09022015). Collection method: clinical testing. Allele origin: germline.
Comment: This sequence change replaces serine, which is neutral and polar, with proline, which is neutral and non-polar, at codon 38 of the IL12RB2 protein (p.Ser38Pro). This variant is not present in population databases (gnomAD no frequency). This variant has not been reported in the literature in individuals affected with IL12RB2-related conditions. An algorithm developed to predict the effect of missense changes on protein structure and function (PolyPhen-2) suggests that this variant is likely to be tolerated. In summary, the available evidence is currently insufficient to determine the role of this variant in disease. Therefore, it has been classified as a Variant of Uncertain Significance.